The following is an entry in ClinVar:

NC_000023.10:g.(?_100604437)_(100641180_?)dup

Gene: BTK (Bruton tyrosine kinase; minus strand). Cytogenetic location: Xq22.1.
Variant type: Duplication.
Identifiers: ClinVar variation 4847073 (VCV004847073.1).

ClinVar aggregate classification (germline): Uncertain significance (1 of 4 stars; one submission).

Submission:

Women's Health and Genetics/Laboratory Corporation of America, LabCorp
Classification: Uncertain significance. Last evaluated: 2026-03-19. Review status: criteria provided, single submitter. Criteria: LabCorp Variant Classification Summary - May 2015. Collection method: clinical testing. Allele origin: germline.
Comment: Variant summary: The variant involves the duplication of exons 1-19 in the BTK gene. A presumed nomenclature of c.(?_-161)_(*436_?)dup has been designated for the purposes of this classification. This duplication includes the entire coding sequence of the gene. As exact breakpoints are unknown, it may extend beyond the annotated region of the gene, to include other flanking genes. The variant was absent in 95133 control chromosomes in the gnomAD database (Structural Variants v4.1 dataset). The available data on variant occurrences in the general population are insufficient to allow any conclusion about variant significance. To our knowledge, no occurrence of c.(?_-161)_(*436_?)dup in individuals affected with BTK-related conditions and no experimental evidence demonstrating its impact on protein function have been reported. ClinVar contains an entry for this variant (Variation ID: 1408914). Based on the evidence outlined above, the variant was classified as uncertain significance.